The following is an entry in ClinVar:

ClinVar aggregate classification (germline): Uncertain significance (1 of 4 stars; one submission).

Conditions:
RYR1-related disorder. Also called: RYR1-related disorders; RYR1-related condition. Identifiers: MedGen CN239331.

Allele frequency attached by ClinVar (database versions not stated): gnomAD exomes below 0.00001.
gnomAD v4.1: 1 of 1,602,998 alleles (0.000062%); highest among the groups gnomAD compares: Non-Finnish European, 0.000085%; no homozygotes.

Submission:

Labcorp Genetics (formerly Invitae), Labcorp
Classification: Uncertain significance for RYR1-related disorder. Last evaluated: 2018-12-30. Review status: criteria provided, single submitter. Criteria: Invitae Variant Classification Sherloc (09022015). Collection method: clinical testing. Allele origin: germline.
Comment: This variant is not present in population databases (ExAC no frequency). In summary, the available evidence is currently insufficient to determine the role of this variant in disease. Therefore, it has been classified as a Variant of Uncertain Significance. Algorithms developed to predict the effect of missense changes on protein structure and function are either unavailable or do not agree on the potential impact of this missense change (SIFT: "Deleterious"; PolyPhen-2: "Benign"; Align-GVGD: "Class C0"). This variant has not been reported in the literature in individuals with RYR1-related conditions. This sequence change replaces lysine with asparagine at codon 2499 of the RYR1 protein (p.Lys2499Asn). The lysine residue is highly conserved and there is a moderate physicochemical difference between lysine and asparagine.

NM_000540.3(RYR1):c.7497G>T (p.Lys2499Asn)

Gene: RYR1 (ryanodine receptor 1; plus strand). Cytogenetic location: 19q13.2.
Variant type: single nucleotide variant.
Coding change: c.7497G>T on transcript NM_000540.3 (MANE Select); coding-DNA position 7497, G replaced by T.
Protein change: p.Lys2499Asn; replaces lysine 2499 with asparagine.
Molecular consequence: missense variant.
Genome position (GRCh38, 1-based): chr19:38,500,873, G>T. VCF-style: chr19-38500873-G-T. GRCh37 (hg19) VCF-style: chr19-38991513-G-T.
Other names: c.7497G>T, p.Lys2499Asn (NM_001042723.2); short protein forms K2499N.
Identifiers: ClinVar variation 656103 (VCV000656103.8), dbSNP rs1600825640, ClinGen allele CA405670330.